The following is an entry in ClinVar:

NM_000053.4(ATP7B):c.2489T>C (p.Ile830Thr)

Gene: ATP7B (ATPase copper transporting beta; minus strand). Cytogenetic location: 13q14.3.
Variant type: single nucleotide variant.
Coding change: c.2489T>C on transcript NM_000053.4 (MANE Select); coding-DNA position 2489, T replaced by C.
Protein change: p.Ile830Thr; replaces isoleucine 830 with threonine.
Molecular consequence: missense variant. On other transcripts: intron variant (1).
Genome position (GRCh38, 1-based): chr13:51,950,358, A>G on the plus strand (T>C on the coding strand, the complement: ATP7B is on the minus strand). VCF-style: chr13-51950358-A-G. GRCh37 (hg19) VCF-style: chr13-52524494-A-G.
Other names: c.2003T>C, p.Ile668Thr (NM_001005918.3, NM_001406541.1, NM_001406542.1 and 1 more transcripts); c.2156T>C, p.Ile719Thr (NM_001243182.2); c.2255T>C, p.Ile752Thr (NM_001330578.2, NM_001406527.1, NM_001406528.1 and 2 more transcripts); c.2237T>C, p.Ile746Thr (NM_001330579.2, NM_001406531.1, NM_001406532.1 and 1 more transcripts); c.2489T>C, p.Ile830Thr (NM_001406511.1, NM_001406512.1, NM_001406513.1 and 7 more transcripts); c.2456T>C, p.Ile819Thr (NM_001406514.1); c.2393T>C, p.Ile798Thr (NM_001406517.1, NM_001406518.1); c.2345T>C, p.Ile782Thr (NM_001406520.1, NM_001406521.1, NM_001406522.1 and 1 more transcripts); and 8 more; short protein forms I636T, I687T, I746T, I752T, I668T, I819T, I720T, I750T.
Identifiers: ClinVar variation 4994371 (VCV004994371.1).
Genomic context (GRCh38, chr13:51,950,358, plus strand): 5'-GTATTGCCTTCCAGGACTTTCCCATCCACTGGAAACTTTCCCCCAGGGACCACCTTGACG[A>G]TATCGCCCCGCTGCACCAGCTCCATGGGGACTTGCTCCTCCCTGCAACAAACGCCACTTA-3'
Protein context (NP_000044.2, residues 820-840): VPMELVQRGD[Ile830Thr]VKVVPGGKFP

ClinVar aggregate classification (germline): Uncertain significance (1 of 4 stars; one submission).

Conditions:
ATP7B-related disorder. Also called: ATP7B-related condition.

gnomAD v4.1: 2 of 1,614,054 alleles (0.00012%); highest among the groups gnomAD compares: African/African-American, 0.0013%; no homozygotes.

Submission:

PreventionGenetics, part of Exact Sciences
Classification: Uncertain significance for ATP7B-related condition. Last evaluated: 2026-08-04. Review status: criteria provided, single submitter. Criteria: ACMG Guidelines, 2015. Collection method: clinical testing. Allele origin: germline.
Comment: The ATP7B c.2489T>C variant is predicted to result in the amino acid substitution p.Ile830Thr. This variant has been reported along with two other variants of uncertain significance in the ATP7B gene in an individual diagnosed with Wilson disesase (Poon et al. 2016. PubMed ID: 26483271). It has not been reported in a large population database (gnomAD), indicating this variant is rare. At this time, the clinical significance of this variant is uncertain due to the absence of conclusive functional and genetic evidence.